The following is an entry in ClinVar:

ClinVar aggregate classification (germline): Uncertain significance (1 of 4 stars; one submission).

Submission:

Labcorp Genetics (formerly Invitae), Labcorp
Classification: Uncertain significance. Last evaluated: 2022-02-06. Review status: criteria provided, single submitter. Criteria: Invitae Variant Classification Sherloc (09022015). Collection method: clinical testing. Allele origin: germline.
Comment: In summary, the available evidence is currently insufficient to determine the role of this variant in disease. Therefore, it has been classified as a Variant of Uncertain Significance. Algorithms developed to predict the effect of missense changes on protein structure and function are either unavailable or do not agree on the potential impact of this missense change (SIFT: "Tolerated"; PolyPhen-2: "Probably Damaging"; Align-GVGD: "Class C0"). This variant has not been reported in the literature in individuals affected with KMT2A-related conditions. This variant is not present in population databases (gnomAD no frequency). This sequence change replaces glycine, which is neutral and non-polar, with aspartic acid, which is acidic and polar, at codon 2895 of the KMT2A protein (p.Gly2895Asp).

NM_001197104.2(KMT2A):c.8684G>A (p.Gly2895Asp)

Gene: KMT2A (lysine methyltransferase 2A; plus strand). Cytogenetic location: 11q23.3.
Variant type: single nucleotide variant.
Coding change: c.8684G>A on transcript NM_001197104.2 (MANE Select); coding-DNA position 8684, G replaced by A.
Protein change: p.Gly2895Asp; replaces glycine 2895 with aspartic acid.
Molecular consequence: missense variant.
Genome position (GRCh38, 1-based): chr11:118,504,576, G>A. VCF-style: chr11-118504576-G-A. GRCh37 (hg19) VCF-style: chr11-118375291-G-A.
Other names: c.8774G>A, p.Gly2925Asp (NM_001412597.1); c.8675G>A, p.Gly2892Asp (NM_005933.4); short protein forms G2892D, G2925D, G2895D.
Identifiers: ClinVar variation 2093835 (VCV002093835.4), dbSNP rs2134400166, ClinGen allele CA382815513.